The following is an entry in ClinVar:

NM_004628.5(XPC):c.*611T>A

Gene: XPC (XPC complex subunit, DNA damage recognition and repair factor; minus strand). Cytogenetic location: 3p25.1.
Variant type: single nucleotide variant.
Coding change: c.*611T>A on transcript NM_004628.5 (MANE Select); 611 bases downstream of the stop codon, T replaced by A.
Molecular consequence: 3 prime UTR variant. On other transcripts: non-coding transcript variant (2).
Genome position (GRCh38, 1-based): chr3:14,145,330, A>T on the plus strand (T>A on the coding strand, the complement: XPC is on the minus strand). VCF-style: chr3-14145330-A-T. GRCh37 (hg19) VCF-style: chr3-14186830-A-T.
Other names: c.*611T>A (NM_001354726.2, NM_001354727.2, NM_001354729.2 and 1 more transcripts).
Identifiers: ClinVar variation 343552 (VCV000343552.7), dbSNP rs2470352, ClinGen allele CA2266958.

ClinVar aggregate classification (germline): Benign/Likely benign. Review status: criteria provided, multiple submitters, no conflicts (2 of 4 stars). 2 submissions from 2 submitters: Benign (1); Likely benign (1). Last evaluated 2018-01-12.

Conditions:
Xeroderma pigmentosum, group C (XPC). Also called: Xeroderma pigmentosum, complementation group C; XERODERMA PIGMENTOSUM III; XP, GROUP C; XPC-Related Xeroderma Pigmentosum. Identifiers: Orphanet 910, MedGen C2752147, MONDO:0010211, OMIM 278720.

Allele frequency attached by ClinVar (database versions not stated): 1000 Genomes Project 0.10823; 1000 Genomes Project 30x 0.11071; TOPMed 0.15839.
gnomAD v4.1: 120,630 of 697,562 alleles (17%); highest among the groups gnomAD compares: Non-Finnish European, 21%; 12,046 homozygotes.

Submissions (2):

Illumina Laboratory Services, Illumina
Classification: Benign for Xeroderma pigmentosum, group C. Last evaluated: 2018-01-12. Review status: criteria provided, single submitter. Criteria: ICSL Variant Classification Criteria 13 December 2019. Collection method: clinical testing. Allele origin: germline.
Comment: This variant was observed in the ICSL laboratory as part of a predisposition screen in an ostensibly healthy population. It had not been previously curated by ICSL or reported in the Human Gene Mutation Database (HGMD: prior to June 1st, 2018), and was therefore a candidate for classification through an automated scoring system. Utilizing variant allele frequency, disease prevalence and penetrance estimates, and inheritance mode, an automated score was calculated to assess if this variant is too frequent to cause the disease. Based on the score and internal cut-off values, a variant classified as benign is not then subjected to further curation. The score for this variant resulted in a classification of benign for this disease.

Breakthrough Genomics
Classification: Likely benign. Review status: criteria provided, single submitter. Criteria: ACMG Guidelines, 2015. Collection method: not provided. Allele origin: germline. Inheritance: Autosomal recessive inheritance. Affected: yes.